The following is an entry in ClinVar:

ClinVar aggregate classification (germline): Uncertain significance (1 of 4 stars; one submission).

Submission:

Labcorp Genetics (formerly Invitae), Labcorp
Classification: Uncertain significance. Last evaluated: 2022-04-07. Review status: criteria provided, single submitter. Criteria: Invitae Variant Classification Sherloc (09022015). Collection method: clinical testing. Allele origin: germline.
Comment: In summary, the available evidence is currently insufficient to determine the role of this variant in disease. Therefore, it has been classified as a Variant of Uncertain Significance. Algorithms developed to predict the effect of missense changes on protein structure and function are either unavailable or do not agree on the potential impact of this missense change (SIFT: "Deleterious"; PolyPhen-2: "Benign"; Align-GVGD: "Class C0"). This variant has not been reported in the literature in individuals affected with GPR179-related conditions. This variant is not present in population databases (gnomAD no frequency). This sequence change replaces glutamic acid, which is acidic and polar, with valine, which is neutral and non-polar, at codon 1715 of the GPR179 protein (p.Glu1715Val).

NM_001004334.4(GPR179):c.5144A>T (p.Glu1715Val)

Gene: GPR179 (G protein-coupled receptor 179; minus strand). Cytogenetic location: 17q12.
Variant type: single nucleotide variant.
Coding change: c.5144A>T on transcript NM_001004334.4 (MANE Select); coding-DNA position 5144, A replaced by T.
Protein change: p.Glu1715Val; replaces glutamic acid 1715 with valine.
Molecular consequence: missense variant.
Genome position (GRCh38, 1-based): chr17:38,328,425, T>A on the plus strand (A>T on the coding strand, the complement: GPR179 is on the minus strand). VCF-style: chr17-38328425-T-A. GRCh37 (hg19) VCF-style: chr17-36484308-T-A.
Other names: short protein forms E1715V.
Identifiers: ClinVar variation 2119954 (VCV002119954.4), dbSNP rs2512157932, ClinGen allele CA398873265.